The following is an entry in ClinVar:

ClinVar aggregate classification (germline): Likely benign. Review status: criteria provided, single submitter (1 of 4 stars). 2 submissions from 2 submitters: Likely benign (1). 1 of the submissions does not count toward it. Last evaluated 2025-11-19.

Conditions:
IFT88-related disorder. Also called: IFT88-related condition.

Allele frequency attached by ClinVar (database versions not stated): ESP Exome Variant Server 0.00008; gnomAD 0.00012 and 0.00020; 1000 Genomes Project 30x 0.00016; gnomAD exomes 0.00017 and 0.00029; 1000 Genomes Project 0.00020; TOPMed 0.00025; ExAC 0.00034.
gnomAD v4.1: 278 of 1,553,528 alleles (0.018%); highest among the groups gnomAD compares: East Asian, 0.41%; no homozygotes.

Submissions (2):

Labcorp Genetics (formerly Invitae), Labcorp
Classification: Likely benign. Last evaluated: 2025-11-19. Review status: criteria provided, single submitter. Criteria: Invitae Variant Classification Sherloc (09022015). Collection method: clinical testing. Allele origin: germline.

PreventionGenetics, part of Exact Sciences
Classification: Likely benign for IFT88-related condition. Last evaluated: 2022-07-26. Review status: no assertion criteria provided. Collection method: clinical testing. Allele origin: germline. Not counted in ClinVar's aggregate classification.
Comment: This variant is classified as likely benign based on ACMG/AMP sequence variant interpretation guidelines (Richards et al. 2015 PMID: 25741868, with internal and published modifications).

NM_006531.5(IFT88):c.770G>A (p.Arg257Gln)

Gene: IFT88 (intraflagellar transport 88; plus strand). Cytogenetic location: 13q12.11.
Variant type: single nucleotide variant.
Coding change: c.770G>A on transcript NM_006531.5 (MANE Select); coding-DNA position 770, G replaced by A.
Protein change: p.Arg257Gln; replaces arginine 257 with glutamine.
Molecular consequence: missense variant. On other transcripts: non-coding transcript variant (5).
Genome position (GRCh38, 1-based): chr13:20,599,523, G>A. VCF-style: chr13-20599523-G-A. GRCh37 (hg19) VCF-style: chr13-21173662-G-A.
Other names: c.713G>A, p.Arg238Gln (NM_001318491.2, NM_001353573.2, NM_001353574.2 and 1 more transcripts); c.797G>A, p.Arg266Gln (NM_001318493.2, NM_001353565.2, NM_001353566.2 and 6 more transcripts); c.770G>A, p.Arg257Gln (NM_001353568.2, NM_001353571.2, NM_001353572.2 and 1 more transcripts); c.137G>A, p.Arg46Gln (NM_001353579.2); c.797G>A (NM_175605.4); short protein forms R238Q, R257Q, R266Q, R46Q.
Identifiers: ClinVar variation 1576163 (VCV001576163.10), dbSNP rs199610348, ClinGen allele CA6905182.